The following is an entry in ClinVar:

ClinVar aggregate classification (germline): Uncertain significance (1 of 4 stars; one submission).

Allele frequency attached by ClinVar (database versions not stated): gnomAD exomes below 0.00001; gnomAD 0.00001; TOPMed 0.00001.

Submission:

Labcorp Genetics (formerly Invitae), Labcorp
Classification: Uncertain significance. Last evaluated: 2023-12-26. Review status: criteria provided, single submitter. Criteria: Invitae Variant Classification Sherloc (09022015). Collection method: clinical testing. Allele origin: germline.
Comment: This sequence change replaces aspartic acid, which is acidic and polar, with asparagine, which is neutral and polar, at codon 287 of the DDX41 protein (p.Asp287Asn). This variant is not present in population databases (gnomAD no frequency). This variant has not been reported in the literature in individuals affected with DDX41-related conditions. An algorithm developed to predict the effect of missense changes on protein structure and function (PolyPhen-2) suggests that this variant is likely to be tolerated. In summary, the available evidence is currently insufficient to determine the role of this variant in disease. Therefore, it has been classified as a Variant of Uncertain Significance.

NM_016222.4(DDX41):c.859G>A (p.Asp287Asn)

Gene: DDX41 (DEAD-box helicase 41; minus strand). Cytogenetic location: 5q35.3.
Variant type: single nucleotide variant.
Coding change: c.859G>A on transcript NM_016222.4 (MANE Select); coding-DNA position 859, G replaced by A.
Protein change: p.Asp287Asn; replaces aspartic acid 287 with asparagine.
Molecular consequence: missense variant.
Genome position (GRCh38, 1-based): chr5:177,514,777, C>T on the plus strand (G>A on the coding strand, the complement: DDX41 is on the minus strand). VCF-style: chr5-177514777-C-T. GRCh37 (hg19) VCF-style: chr5-176941778-C-T.
Other names: c.481G>A, p.Asp161Asn (NM_001321732.2, NM_001321830.2); short protein forms D287N, D161N.
Identifiers: ClinVar variation 2705590 (VCV002705590.3), dbSNP rs1761144395, ClinGen allele CA362374823.